The following is an entry in ClinVar:

NM_020949.3(SLC7A14):c.56G>T (p.Trp19Leu)

Genes: SLC7A14 (solute carrier family 7 member 14; minus strand), SLC7A14-AS1 (SLC7A14 antisense RNA 1; plus strand). Cytogenetic location: 3q26.2.
Variant type: single nucleotide variant.
Coding change: c.56G>T on transcript NM_020949.3 (MANE Select); coding-DNA position 56, G replaced by T.
Protein change: p.Trp19Leu; replaces tryptophan 19 with leucine.
Molecular consequence: missense variant.
Genome position (GRCh38, 1-based): chr3:170,526,881, C>A on the plus strand (G>T on the coding strand, the complement: SLC7A14 is on the minus strand). VCF-style: chr3-170526881-C-A. GRCh37 (hg19) VCF-style: chr3-170244670-C-A.
Other names: short protein forms W19L.
Identifiers: ClinVar variation 4765923 (VCV004765923.2).
Genomic context (GRCh38, chr3:170,526,881, plus strand): 5'-GTTCCCTCTAGCATGGACTCCACTGGTTTGGTGCGTAGGATCCTGGAGTGCATTGCATAC[C>A]AGGCAGCTCCCCACTGCACCCGCCGGGGGTCCAGCGAGGTGAAGAAGCCACTCATCTTGA-3'
Protein context (NP_066000.2, residues 9-29): DPRRVQWGAA[Trp19Leu]YAMHSRILRT

ClinVar aggregate classification (germline): Uncertain significance. Review status: criteria provided, multiple submitters, no conflicts (2 of 4 stars). 2 submissions from 2 submitters: Uncertain significance (2). Last evaluated 2025-11-23.

gnomAD v4.1: 1 of 1,613,890 alleles (0.000062%); highest among the groups gnomAD compares: Non-Finnish European, 0.000085%; no homozygotes.

Submissions (2):

Labcorp Genetics (formerly Invitae), Labcorp
Classification: Uncertain significance. Last evaluated: 2025-11-23. Review status: criteria provided, single submitter. Criteria: Invitae Variant Classification Sherloc (09022015). Collection method: clinical testing. Allele origin: germline.
Comment: This sequence change replaces tryptophan, which is neutral and slightly polar, with leucine, which is neutral and non-polar, at codon 19 of the SLC7A14 protein (p.Trp19Leu). This variant is not present in population databases (gnomAD no frequency). This variant has not been reported in the literature in individuals affected with SLC7A14-related conditions. An algorithm developed to predict the effect of missense changes on protein structure and function (PolyPhen-2) suggests that this variant is likely to be tolerated. In summary, the available evidence is currently insufficient to determine the role of this variant in disease. Therefore, it has been classified as a Variant of Uncertain Significance.

Blueprint Genetics
Classification: Uncertain significance. Last evaluated: 2020-01-23. Review status: criteria provided, single submitter. Criteria: ACMG Guidelines, 2015. Collection method: clinical testing. Allele origin: germline.